The following is an entry in ClinVar:

NM_020975.6(RET):c.3116C>T (p.Pro1039Leu)

Gene: RET (ret proto-oncogene; plus strand). Cytogenetic location: 10q11.21.
Variant type: single nucleotide variant.
Coding change: c.3116C>T on transcript NM_020975.6 (MANE Select); coding-DNA position 3116, C replaced by T.
Protein change: p.Pro1039Leu; replaces proline 1039 with leucine.
Molecular consequence: missense variant.
Genome position (GRCh38, 1-based): chr10:43,126,651, C>T. VCF-style: chr10-43126651-C-T. GRCh37 (hg19) VCF-style: chr10-43622099-C-T.
Other names: c.2828C>T, p.Pro943Leu (NM_001406767.1, NM_001406770.1, NM_001406766.1); c.2852C>T, p.Pro951Leu (NM_001406768.1); c.2720C>T, p.Pro907Leu (NM_001406769.1, NM_001406772.1); c.2678C>T, p.Pro893Leu (NM_001406771.1, NM_001406773.1); c.2591C>T, p.Pro864Leu (NM_001406774.1); c.2390C>T, p.Pro797Leu (NM_001406775.1, NM_001406776.1, NM_001406777.1 and 1 more transcripts); c.2090C>T, p.Pro697Leu (NM_001406786.1, NM_001406783.1); c.2084C>T, p.Pro695Leu (NM_001406787.1); and 10 more; short protein forms P1039L, P785L, P893L, P943L, P556L, P700L, P864L, P697L.
Identifiers: ClinVar variation 13948 (VCV000013948.23), dbSNP rs79853121, ClinGen allele CA009200.

ClinVar aggregate classification (germline): Conflicting classifications of pathogenicity. Review status: criteria provided, conflicting classifications (1 of 4 stars). 11 submissions from 10 submitters: Uncertain significance (6); Likely benign (1). 4 of the submissions do not count toward it. Last evaluated 2026-01-16.

Conditions:
Multiple endocrine neoplasia type 2A. Also called: MULTIPLE ENDOCRINE NEOPLASIA, TYPE IIA; PTC SYNDROME; SIPPLE SYNDROME; MEN 2A; MEN-2A syndrome; Pheochromocytoma and amyloid producing medullary thyroid carcinoma. Identifiers: Orphanet 247698, Orphanet 653, MedGen C0025268, MeSH D018813, MONDO:0008234, OMIM 171400.
Pheochromocytoma. Also called: MAX-Related Hereditary Paraganglioma-Pheochromocytoma Syndrome. Identifiers: Orphanet 29072, MedGen C0031511, MONDO:0008233, OMIM 171300, HP:0002666.
Familial medullary thyroid carcinoma (MTC). Also called: Thyroid cancer, familial medullary; MTC, familial; Familial Medullary Thyroid Carcinoma (FMTC). Identifiers: Orphanet 653, Orphanet 99361, MedGen C1833921, MONDO:0007958, OMIM 155240.
Multiple endocrine neoplasia type 2B. Also called: MEN 2B; Multiple endocrine neoplasia, type 3; MULTIPLE ENDOCRINE NEOPLASIA, TYPE IIB; MUCOSAL NEUROMA SYNDROME; NEUROMATA, MUCOSAL, WITH ENDOCRINE TUMORS; WAGENMANN-FROBOESE SYNDROME. Identifiers: Orphanet 247709, Orphanet 653, MedGen C0025269, MeSH D018814, MONDO:0008082, OMIM 162300.
Hirschsprung disease, susceptibility to, 1 (HSCR1). Also called: RET-Related Hirschsprung Disease. Identifiers: Orphanet 388, MedGen C3888239, MONDO:0007723, OMIM 142623.
Hereditary cancer-predisposing syndrome. Also called: Neoplastic Syndromes, Hereditary; Tumor predisposition; Hereditary neoplastic syndrome; Hereditary Cancer Syndrome. Identifiers: Orphanet 140162, MedGen C0027672, MeSH D009386, MONDO:0015356.
Aganglionic megacolon (HSCR). Also called: Hirschsprung's disease; Hirschsprung disease. Identifiers: Orphanet 388, MedGen C0019569, MeSH D006627, MONDO:0018309, HP:0002251.
Multiple endocrine neoplasia, type 2 (MEN2). Identifiers: Orphanet 653, MedGen C4048306, MONDO:0019003. Disease mechanism: gain of function.

Allele frequency attached by ClinVar (database versions not stated): TOPMed 0.00002; 1000 Genomes Project 30x 0.00016; 1000 Genomes Project 0.00020; ExAC 0.00002; gnomAD exomes 0.00004.
gnomAD v4.1: 24 of 1,614,074 alleles (0.0015%); highest among the groups gnomAD compares: East Asian, 0.0067%; no homozygotes.

Submissions (11):

Labcorp Genetics (formerly Invitae), Labcorp
Classification: Uncertain significance for Multiple endocrine neoplasia, type 2. Last evaluated: 2026-01-16. Review status: criteria provided, single submitter. Criteria: Invitae Variant Classification Sherloc (09022015). Collection method: clinical testing. Allele origin: germline.
Comment: This sequence change replaces proline, which is neutral and non-polar, with leucine, which is neutral and non-polar, at codon 1039 of the RET protein (p.Pro1039Leu). This variant is present in population databases (rs79853121, gnomAD 0.01%). This missense change has been observed in individual(s) with congenital central hypoventilation syndrome and total colonic aganglionosis (PMID: 9497256). ClinVar contains an entry for this variant (Variation ID: 13948). An algorithm developed to predict the effect of missense changes on protein structure and function (PolyPhen-2) suggests that this variant is likely to be disruptive. Experimental studies are conflicting or provide insufficient evidence to determine the effect of this variant on RET function (PMID: 9502784, 10921886). In summary, the available evidence is currently insufficient to determine the role of this variant in disease. Therefore, it has been classified as a Variant of Uncertain Significance.

Color Diagnostics, LLC DBA Color Health
Classification: Uncertain significance for Multiple endocrine neoplasia, type 2. Last evaluated: 2025-06-13. Review status: criteria provided, single submitter. Criteria: ACMG Guidelines, 2015. Collection method: clinical testing. Allele origin: germline.
Comment: This missense variant replaces proline with leucine at codon 1039 of the RET protein. Computational prediction suggests that this variant may have deleterious impact on protein structure and function. A functional study has reported that this variant does not affect the RET protein in cell transforming and kinase activity assays (PMID: 9502784). This variant has been reported in an individual who met the diagnostic criteria for multiple endocrine neoplasia type 2 (PMID: 25637381). This variant has been identified in 10/282834 chromosomes in the general population by the Genome Aggregation Database (gnomAD). The available evidence is insufficient to determine the role of this variant in disease conclusively. Therefore, this variant is classified as a Variant of Uncertain Significance.

GeneDx
Classification: Uncertain significance. Last evaluated: 2024-08-12. Review status: criteria provided, single submitter. Criteria: GeneDx Variant Classification Process June 2021. Collection method: clinical testing. Allele origin: germline. Affected: yes.
Comment: In silico analysis supports that this missense variant has a deleterious effect on protein structure/function; This variant is associated with the following publications: (PMID: 9502784, 24336963, 25637381, 30197081, 16443855, 9497256, 9174404, 10921886, 12566528, 19383830, 9497247, 14633923, 24442913, 12640453, 36936415)

Baylor Genetics
Classification: Uncertain significance for Hirschsprung disease, susceptibility to, 1. Last evaluated: 2024-02-23. Review status: criteria provided, single submitter. Criteria: ACMG Guidelines, 2015. Collection method: clinical testing. Allele origin: unknown.

Women's Health and Genetics/Laboratory Corporation of America, LabCorp
Classification: Uncertain significance. Last evaluated: 2023-10-12. Review status: criteria provided, single submitter. Criteria: LabCorp Variant Classification Summary - May 2015. Collection method: clinical testing. Allele origin: germline.
Comment: Variant summary: RET c.3116C>T (p.Pro1039Leu) results in a non-conservative amino acid change in the encoded protein sequence. Five of five in-silico tools predict a damaging effect of the variant on protein function. The variant allele was found at a frequency of 3.6e-05 in 251464 control chromosomes. The available data on variant occurrences in the general population are insufficient to allow any conclusion about variant significance. c.3116C>T has been reported in the literature in an individual affected with total colonic aganglionosis (Amiel_1998) . This report does not provide unequivocal conclusions about association of the variant with Multiple Endocrine Neoplasia Type 2. At least one publication reports experimental evidence evaluating an impact on protein function (Pelet_1998). These results showed no damaging effect of this variant. The following publications have been ascertained in the context of this evaluation (PMID: 25637381, 9497256, 9502784). Four submitters have cited clinical-significance assessments for this variant to ClinVar after 2014 and classified as likely benign (n=1) and VUS (n=3). Based on the evidence outlined above, the variant was classified as uncertain significance.

Fulgent Genetics
Classification: Uncertain significance for Hirschsprung disease, susceptibility to, 1; Familial medullary thyroid carcinoma; Multiple endocrine neoplasia type 2B; Pheochromocytoma; Multiple endocrine neoplasia type 2A. Last evaluated: 2022-04-30. Review status: criteria provided, single submitter. Criteria: ACMG Guidelines, 2015. Collection method: clinical testing. Allele origin: unknown.

Ambry Genetics
Classification: Likely benign for Hereditary cancer-predisposing syndrome. Last evaluated: 2022-03-04. Review status: criteria provided, single submitter. Criteria: Ambry Variant Classification Scheme 2023. Collection method: clinical testing. Allele origin: germline.

Counsyl
Classification: Uncertain significance for Multiple endocrine neoplasia type 2B. Last evaluated: 2016-02-02. Review status: no assertion criteria provided. Collection method: clinical testing. Allele origin: unknown. Not counted in ClinVar's aggregate classification.

Counsyl
Classification: Uncertain significance for Multiple endocrine neoplasia type 2A. Last evaluated: 2016-02-02. Review status: no assertion criteria provided. Collection method: clinical testing. Allele origin: unknown. Not counted in ClinVar's aggregate classification.

CSER _CC_NCGL, University of Washington
Classification: Uncertain significance for Hirschsprung disease. Last evaluated: 2014-06-01. Review status: no assertion criteria provided. Collection method: research. Allele origin: germline. Inheritance: Autosomal dominant inheritance. Study: ESP 6500 variant annotation. Not counted in ClinVar's aggregate classification.
Comment: Variants classified for the Actionable exomic incidental findings in 6503 participants: challenges of variant classification manuscript

OMIM
Classification: risk factor for HIRSCHSPRUNG DISEASE, SUSCEPTIBILITY TO, 1. Last evaluated: 1998-03-01. Review status: no assertion criteria provided. Collection method: literature only. Allele origin: germline. Not counted in ClinVar's aggregate classification.

Literature cited by the submitters: PubMed 9497256 (cited by 4 submitters); PubMed 9502784 (cited by 5 submitters); PubMed 10921886 (cited by 3 submitters); PubMed 25637381 (cited by 4 submitters); PubMed 24336963 (cited by Ambry Genetics and Counsyl); PubMed 30197081 (cited by Ambry Genetics); PubMed 12640453 (cited by Counsyl).